The following is an entry in ClinVar:

NM_001283009.2(RTEL1):c.502G>A (p.Ala168Thr)

Genes: RTEL1 (regulator of telomere elongation helicase 1; plus strand), RTEL1-TNFRSF6B (RTEL1-TNFRSF6B readthrough (NMD candidate); plus strand). Cytogenetic location: 20q13.33.
Variant type: single nucleotide variant.
Coding change: c.502G>A on transcript NM_001283009.2 (MANE Select); coding-DNA position 502, G replaced by A.
Protein change: p.Ala168Thr; replaces alanine 168 with threonine.
Molecular consequence: missense variant. On other transcripts: non-coding transcript variant (1), 5 prime UTR variant (1).
Genome position (GRCh38, 1-based): chr20:63,662,853, G>A. VCF-style: chr20-63662853-G-A. GRCh37 (hg19) VCF-style: chr20-62294206-G-A.
Other names: c.574G>A (NM_032957.4); c.-168G>A (NM_001283010.1); c.502G>A, p.Ala168Thr (NM_016434.4); c.574G>A, p.Ala192Thr (NM_032957.5); short protein forms A192T, A168T.
Identifiers: ClinVar variation 2190116 (VCV002190116.4), dbSNP rs762279135, ClinGen allele CA9964304.

ClinVar aggregate classification (germline): Uncertain significance. Review status: criteria provided, multiple submitters, no conflicts (2 of 4 stars). 2 submissions from 2 submitters: Uncertain significance (2). Last evaluated 2025-03-31.

Conditions:
Inborn genetic diseases. Identifiers: MedGen C0950123, MeSH D030342.
Pulmonary fibrosis and/or bone marrow failure, Telomere-related, 3. Also called: PULMONARY FIBROSIS AND/OR BONE MARROW FAILURE SYNDROME, TELOMERE-RELATED, 3. Identifiers: Orphanet 2032, MedGen C4225346, MONDO:0014613, OMIM 616373.
Dyskeratosis congenita, autosomal recessive 5 (DKCB5). Identifiers: MedGen C3554656, MONDO:0014076, OMIM 615190.

Allele frequency attached by ClinVar (database versions not stated): gnomAD exomes 0.00001; ExAC 0.00002.
gnomAD v4.1: 9 of 1,614,002 alleles (0.00056%); highest among the groups gnomAD compares: South Asian, 0.0077%; no homozygotes.

Submissions (2):

Labcorp Genetics (formerly Invitae), Labcorp
Classification: Uncertain significance for Dyskeratosis congenita, autosomal recessive 5; Pulmonary fibrosis and/or bone marrow failure, Telomere-related, 3. Last evaluated: 2025-03-31. Review status: criteria provided, single submitter. Criteria: Invitae Variant Classification Sherloc (09022015). Collection method: clinical testing. Allele origin: germline.
Comment: This sequence change replaces alanine, which is neutral and non-polar, with threonine, which is neutral and polar, at codon 168 of the RTEL1 protein (p.Ala168Thr). This variant is present in population databases (rs762279135, gnomAD 0.01%). This variant has not been reported in the literature in individuals affected with RTEL1-related conditions. ClinVar contains an entry for this variant (Variation ID: 2190116). An algorithm developed to predict the effect of missense changes on protein structure and function outputs the following: PolyPhen-2: "Benign". The threonine amino acid residue is found in multiple mammalian species, which suggests that this missense change does not adversely affect protein function. In summary, the available evidence is currently insufficient to determine the role of this variant in disease. Therefore, it has been classified as a Variant of Uncertain Significance.

Ambry Genetics
Classification: Uncertain significance for Inborn genetic diseases. Last evaluated: 2023-03-14. Review status: criteria provided, single submitter. Criteria: Ambry Variant Classification Scheme 2023. Collection method: clinical testing. Allele origin: germline.